The following is an entry in ClinVar:

ClinVar aggregate classification (germline): Benign/Likely benign. Review status: criteria provided, multiple submitters, no conflicts (2 of 4 stars). 13 submissions from 10 submitters: Benign (10); Likely benign (1). 2 of the submissions do not count toward it. Last evaluated 2026-02-04.

Conditions:
Complement component 3 deficiency. Identifiers: Orphanet 280133, MedGen C3151071, MONDO:0013417, OMIM 613779.
Atypical hemolytic-uremic syndrome with C3 anomaly. Also called: AHUS, SUSCEPTIBILITY TO, 5. Identifiers: Orphanet 2134, MedGen C2752037, MONDO:0013043, OMIM 612925.
Age related macular degeneration 9. Identifiers: MedGen C1969651, MONDO:0012659, OMIM 611378.

Allele frequency attached by ClinVar (database versions not stated): gnomAD exomes 0.52235 and 0.51819; 1000 Genomes Project 0.52436; gnomAD 0.49417 and 0.49723; ESP Exome Variant Server 0.49616; TOPMed 0.49853; ExAC 0.52146; 1000 Genomes Project 30x 0.52171.
gnomAD v4.1: 826,529 of 1,601,234 alleles (52%); highest among the groups gnomAD compares: South Asian, 59%; 215,132 homozygotes.

Submissions (13):

Labcorp Genetics (formerly Invitae), Labcorp
Classification: Benign. Last evaluated: 2026-02-04. Review status: criteria provided, single submitter. Criteria: Invitae Variant Classification Sherloc (09022015). Collection method: clinical testing. Allele origin: germline.

Women's Health and Genetics/Laboratory Corporation of America, LabCorp
Classification: Benign. Last evaluated: 2026-01-21. Review status: criteria provided, single submitter. Criteria: LabCorp Variant Classification Summary - May 2015. Collection method: clinical testing. Allele origin: germline.

Blueprint Genetics
Classification: Likely benign. Last evaluated: 2024-11-28. Review status: criteria provided, single submitter. Criteria: ACMG Guidelines, 2015. Collection method: clinical testing. Allele origin: germline.

Mayo Clinic Laboratories, Mayo Clinic
Classification: Benign. Last evaluated: 2022-03-10. Review status: criteria provided, single submitter. Criteria: ACMG Guidelines, 2015. Collection method: clinical testing. Allele origin: germline. Observed: 2,418 variant alleles.

Genome-Nilou Lab
Classification: Benign for Complement component 3 deficiency. Last evaluated: 2021-07-14. Review status: criteria provided, single submitter. Criteria: ACMG Guidelines, 2015. Collection method: clinical testing. Allele origin: germline. Affected: no.

Genome-Nilou Lab
Classification: Benign for Age related macular degeneration 9. Last evaluated: 2021-07-14. Review status: criteria provided, single submitter. Criteria: ACMG Guidelines, 2015. Collection method: clinical testing. Allele origin: germline. Affected: no.

GeneDx
Classification: Benign. Last evaluated: 2018-11-10. Review status: criteria provided, single submitter. Criteria: GeneDx Variant Classification Process June 2021. Collection method: clinical testing. Allele origin: germline. Affected: yes.

Illumina Laboratory Services, Illumina
Classification: Benign for Age related macular degeneration 9. Last evaluated: 2018-01-12. Review status: criteria provided, single submitter. Criteria: ICSL Variant Classification Criteria 13 December 2019. Collection method: clinical testing. Allele origin: germline.
Comment: This variant was observed in the ICSL laboratory as part of a predisposition screen in an ostensibly healthy population. It had not been previously curated by ICSL or reported in the Human Gene Mutation Database (HGMD: prior to June 1st, 2018), and was therefore a candidate for classification through an automated scoring system. Utilizing variant allele frequency, disease prevalence and penetrance estimates, and inheritance mode, an automated score was calculated to assess if this variant is too frequent to cause the disease. Based on the score and internal cut-off values, a variant classified as benign is not then subjected to further curation. The score for this variant resulted in a classification of benign for this disease.

Illumina Laboratory Services, Illumina
Classification: Benign for Complement component 3 deficiency. Last evaluated: 2018-01-12. Review status: criteria provided, single submitter. Criteria: ICSL Variant Classification Criteria 13 December 2019. Collection method: clinical testing. Allele origin: germline.
Comment: the same text as in the submission from Illumina Laboratory Services, Illumina above.

Illumina Laboratory Services, Illumina
Classification: Benign for Atypical hemolytic-uremic syndrome with C3 anomaly. Last evaluated: 2018-01-12. Review status: criteria provided, single submitter. Criteria: ICSL Variant Classification Criteria 13 December 2019. Collection method: clinical testing. Allele origin: germline.
Comment: the same text as in the submission from Illumina Laboratory Services, Illumina above.

Breakthrough Genomics
Classification: Benign. Review status: criteria provided, single submitter. Criteria: ACMG Guidelines, 2015. Collection method: not provided. Allele origin: germline. Inheritance: Autosomal recessive inheritance. Affected: yes.

Diagnostic Laboratory, Department of Genetics, University Medical Center Groningen
Classification: Benign. Review status: no assertion criteria provided. Collection method: clinical testing. Allele origin: germline. Affected: yes. Study: VKGL Data-share Consensus. Not counted in ClinVar's aggregate classification.

Joint Genome Diagnostic Labs from Nijmegen and Maastricht, Radboudumc and MUMC+
Classification: Benign. Review status: no assertion criteria provided. Collection method: clinical testing. Allele origin: germline. Affected: yes. Study: VKGL Data-share Consensus. Not counted in ClinVar's aggregate classification.

NM_000064.4(C3):c.4457-4G>A

Gene: C3 (complement C3; minus strand). Cytogenetic location: 19p13.3.
Variant type: single nucleotide variant.
Coding change: c.4457-4G>A on transcript NM_000064.4 (MANE Select); 4 bases into the intron before coding-DNA position 4457, G replaced by A.
Molecular consequence: intron variant.
Genome position (GRCh38, 1-based): chr19:6,679,500, C>T on the plus strand (G>A on the coding strand, the complement: C3 is on the minus strand). VCF-style: chr19-6679500-C-T. GRCh37 (hg19) VCF-style: chr19-6679511-C-T.
Other names: p.?; c.4457-4G>A (LRG_27t1).
Identifiers: ClinVar variation 330282 (VCV000330282.25), dbSNP rs2277984, ClinGen allele CA9128380.